The following is an entry in ClinVar:

NM_000138.5(FBN1):c.6772T>G (p.Cys2258Gly)

Gene: FBN1 (fibrillin 1; minus strand). Cytogenetic location: 15q21.1.
Variant type: single nucleotide variant.
Coding change: c.6772T>G on transcript NM_000138.5 (MANE Select); coding-DNA position 6772, T replaced by G.
Protein change: p.Cys2258Gly; replaces cysteine 2258 with glycine.
Molecular consequence: missense variant.
Genome position (GRCh38, 1-based): chr15:48,430,770, A>C on the plus strand (T>G on the coding strand, the complement: FBN1 is on the minus strand). VCF-style: chr15-48430770-A-C. GRCh37 (hg19) VCF-style: chr15-48722967-A-C.
Other names: p.Cys2258Gly; short protein forms C2258G.
Identifiers: ClinVar variation 1679954 (VCV001679954.9), dbSNP rs1057520617, ClinGen allele CA392332714.

ClinVar aggregate classification (germline): Pathogenic/Likely pathogenic. Review status: criteria provided, multiple submitters, no conflicts (2 of 4 stars). 5 submissions from 5 submitters: Pathogenic (1); Likely pathogenic (4). Last evaluated 2025-12-30.

Conditions:
Marfan syndrome (MFS). Also called: Marfan syndrome, classic; MARFAN SYNDROME, TYPE I; Marfan syndrome type 1; Marfan's syndrome; FBN1-Related Marfan Syndrome. Identifiers: Orphanet 284963, Orphanet 558, MedGen C0024796, MONDO:0007947, OMIM 154700.
Familial thoracic aortic aneurysm and aortic dissection (TAAD). Also called: Thoracic aortic aneurysms and dissections. Identifiers: Orphanet 91387, MedGen C4707243, MONDO:0019625.

Allele frequency attached by ClinVar (database versions not stated): gnomAD 0.00001.
gnomAD v4.1: 1 of 1,613,792 alleles (0.000062%); highest among the groups gnomAD compares: Non-Finnish European, 0.000085%; no homozygotes.

Submissions (5):

Ambry Genetics
Classification: Likely pathogenic for Familial thoracic aortic aneurysm and aortic dissection. Last evaluated: 2025-12-30. Review status: criteria provided, single submitter. Criteria: Ambry Variant Classification Scheme 2023. Collection method: clinical testing. Allele origin: germline.
Comment: The p.C2258G variant (also known as c.6772T>G), located in coding exon 55 of the FBN1 gene, results from a T to G substitution at nucleotide position 6772. The cysteine at codon 2258 is replaced by glycine, an amino acid with highly dissimilar properties. The majority of FBN1 mutations identified to date have involved the substitution or generation of cysteine residues within cbEGF domains (Vollbrandt T et al. J Biol Chem. 2004;279(31):32924-32931). Based on internal structural assessment, this alteration eliminates a structurally critical disulfide bond in the structurally sensitive cb EGF-like domain #35. This variant was reported in individual(s) with features consistent with Marfan syndrome (MFS) (Ambry internal data). Other variant(s) at the same codon, p.C2258R (c.6772T>C) and p.C2258Y (c.6773G>A), have been identified in individual(s) with features consistent with MFS (Hayward C et al. Hum Mutat, 1997;10:280-9; Halliday D et al. Hum Genet, 1999 Dec;105:587-97). This amino acid position is highly conserved in available vertebrate species. In addition, this alteration is predicted to be deleterious by in silico analysis. This variant is considered to be rare based on population cohorts in the Genome Aggregation Database (gnomAD). Based on the majority of available evidence to date, this variant is likely to be pathogenic.

GeneDx
Classification: Likely pathogenic. Last evaluated: 2024-03-08. Review status: criteria provided, single submitter. Criteria: GeneDx Variant Classification Process June 2021. Collection method: clinical testing. Allele origin: germline. Affected: yes.
Comment: Has not been previously published as pathogenic or benign in association with an FBN1-related disorder to our knowledge; Not observed at significant frequency in large population cohorts (gnomAD); Affects a cysteine residue within a calcium-binding EGF-like domain of the FBN1 gene, which may affect disulfide bonding and is predicted to alter the structure and function of the protein; cysteine substitutions in the calcium-binding EGF-like domains represent the majority of pathogenic missense changes associated with FBN1-related disorders (PMID: 12938084); In silico analysis supports that this missense variant has a deleterious effect on protein structure/function; This variant is associated with the following publications: (PMID: 12938084, 10486319, 27906200)

Mayo Clinic Laboratories, Mayo Clinic
Classification: Likely pathogenic. Last evaluated: 2023-07-17. Review status: criteria provided, single submitter. Criteria: ACMG Guidelines, 2015. Collection method: clinical testing. Allele origin: germline. Observed: 1 variant allele.
Comment: PP2, PP3, PM1_strong, PM2

Labcorp Genetics (formerly Invitae), Labcorp
Classification: Pathogenic for Marfan syndrome; Familial thoracic aortic aneurysm and aortic dissection. Last evaluated: 2023-07-14. Review status: criteria provided, single submitter. Criteria: Invitae Variant Classification Sherloc (09022015). Collection method: clinical testing. Allele origin: germline.
Comment: For these reasons, this variant has been classified as Pathogenic. This variant disrupts the p.Cys2258 amino acid residue in FBN1. Other variant(s) that disrupt this residue have been observed in individuals with FBN1-related conditions (PMID: 9338581, 10647894, 27906200, 31211624), which suggests that this may be a clinically significant amino acid residue. This variant affects a cysteine residue in the EGF-like, TGFBP or hybrid motif domains of FBN1. Cysteine residues are believed to be involved in intramolecular disulfide bridges and have been shown to be important for FBN1 protein structure (PMID: 16905551, 19349279). In addition, missense substitutions affecting cysteine residues within these domains are significantly overrepresented among patients with Marfan syndrome (PMID: 16571647, 17701892). Advanced modeling of protein sequence and biophysical properties (such as structural, functional, and spatial information, amino acid conservation, physicochemical variation, residue mobility, and thermodynamic stability) performed at Invitae indicates that this missense variant is expected to disrupt FBN1 protein function. ClinVar contains an entry for this variant (Variation ID: 1679954). This missense change has been observed in individual(s) with clinical features of Marfan syndrome (Invitae). This variant is not present in population databases (gnomAD no frequency). This sequence change replaces cysteine, which is neutral and slightly polar, with glycine, which is neutral and non-polar, at codon 2258 of the FBN1 protein (p.Cys2258Gly).

Molecular Diagnostics Laboratory, M Health Fairview: University of Minnesota
Classification: Likely pathogenic for Marfan syndrome. Last evaluated: 2021-12-01. Review status: criteria provided, single submitter. Criteria: ACMG Guidelines, 2015. Collection method: clinical testing. Allele origin: germline. Affected: yes.

Literature cited by the submitters: PubMed 12938084 (cited by Mayo Clinic Laboratories, Mayo Clinic); PubMed 27906200 (cited by Mayo Clinic Laboratories, Mayo Clinic and Labcorp Genetics (formerly Invitae), Labcorp); PubMed 9338581 (cited by Labcorp Genetics (formerly Invitae), Labcorp); PubMed 10647894 (cited by Labcorp Genetics (formerly Invitae), Labcorp); PubMed 31211624 (cited by Labcorp Genetics (formerly Invitae), Labcorp); PubMed 16905551 (cited by Labcorp Genetics (formerly Invitae), Labcorp); PubMed 19349279 (cited by Labcorp Genetics (formerly Invitae), Labcorp); PubMed 16571647 (cited by Labcorp Genetics (formerly Invitae), Labcorp); PubMed 17701892 (cited by Labcorp Genetics (formerly Invitae), Labcorp).